The following is an entry in ClinVar:

NM_001035.3(RYR2):c.7454T>C (p.Leu2485Pro)

Gene: RYR2 (ryanodine receptor 2; plus strand). Cytogenetic location: 1q43.
Variant type: single nucleotide variant.
Coding change: c.7454T>C on transcript NM_001035.3 (MANE Select); coding-DNA position 7454, T replaced by C.
Protein change: p.Leu2485Pro; replaces leucine 2485 with proline.
Molecular consequence: missense variant.
Genome position (GRCh38, 1-based): chr1:237,648,555, T>C. VCF-style: chr1-237648555-T-C. GRCh37 (hg19) VCF-style: chr1-237811855-T-C.
Other names: short protein forms L2485P.
Identifiers: ClinVar variation 2131522 (VCV002131522.4), dbSNP rs1558138015, ClinGen allele CA345398497.

ClinVar aggregate classification (germline): Uncertain significance (1 of 4 stars; one submission).

Conditions:
Catecholaminergic polymorphic ventricular tachycardia 1. Also called: VENTRICULAR TACHYCARDIA, CATECHOLAMINERGIC POLYMORPHIC, 1, WITH OR WITHOUT ATRIAL DYSFUNCTION AND/OR DILATED CARDIOMYOPATHY; VENTRICULAR TACHYCARDIA, STRESS-INDUCED POLYMORPHIC 1; RYR2-Related Catecholaminergic Polymorphic Ventricular Tachycardia. Identifiers: Orphanet 3286, MedGen C1631597, MONDO:0011484, OMIM 604772.

Submission:

Labcorp Genetics (formerly Invitae), Labcorp
Classification: Uncertain significance for Catecholaminergic polymorphic ventricular tachycardia 1. Last evaluated: 2022-04-28. Review status: criteria provided, single submitter. Criteria: Invitae Variant Classification Sherloc (09022015). Collection method: clinical testing. Allele origin: germline.
Comment: In summary, the available evidence is currently insufficient to determine the role of this variant in disease. Therefore, it has been classified as a Variant of Uncertain Significance. This sequence change replaces leucine, which is neutral and non-polar, with proline, which is neutral and non-polar, at codon 2485 of the RYR2 protein (p.Leu2485Pro). This variant is not present in population databases (gnomAD no frequency). This variant has not been reported in the literature in individuals affected with RYR2-related conditions. Advanced modeling of protein sequence and biophysical properties (such as structural, functional, and spatial information, amino acid conservation, physicochemical variation, residue mobility, and thermodynamic stability) performed at Invitae indicates that this missense variant is expected to disrupt RYR2 protein function.